The following is an entry in ClinVar:

NM_001378454.1(ALMS1):c.10939del (p.Ser3647fs)

Gene: ALMS1 (ALMS1 centrosome and basal body associated protein; plus strand). Cytogenetic location: 2p13.1.
Variant type: Deletion.
Coding change: c.10939del on transcript NM_001378454.1 (MANE Select); coding-DNA position 10939, one base deleted (T; older notation c.10939delT).
Protein change: p.Ser3647fs; shifts the reading frame from serine 3647.
Molecular consequence: frameshift variant.
Genome position (GRCh38, 1-based): chr2:73,572,816, T deleted. VCF-style (leftmost placement, unchanged base first): chr2-73572815-CT-C. GRCh37 (hg19) VCF-style: chr2-73799942-CT-C.
Other names: c.10942del, p.Ser3648fs (NM_015120.4); short protein forms S3647fs, S3648fs.
Identifiers: ClinVar variation 3377730 (VCV003377730.1).

ClinVar aggregate classification (germline): Likely pathogenic (1 of 4 stars; one submission).

Conditions:
Alstrom syndrome (ALMS). Identifiers: Orphanet 64, MedGen C0268425, MONDO:0008763, OMIM 203800.

Submission:

Neuberg Centre For Genomic Medicine, NCGM
Classification: Likely pathogenic for Alstrom syndrome. Review status: criteria provided, single submitter. Criteria: ACMG Guidelines, 2015. Collection method: clinical testing. Allele origin: germline. Inheritance: Autosomal recessive inheritance. Affected: yes.
Comment: The observed frameshift c.10939del(p.Glu3647LysfsTer13) variant in ALMS1 gene has not been reported previously as a pathogenic variant nor a benign variant, to our knowledge. The p.Glu3647LysfsTer13 variant is absent in gnomAD Exomes. This variant has not been submitted to the ClinVar database. This variant causes a frameshift starting with codon Glutamic Acid 3647, changes this amino acid to Lysine residue, and creates a premature Stop codon at position 13 of the new reading frame, denoted p.Glu3647LysfsTer13. This variant is predicted to cause loss of normal protein function through protein truncation. Loss of function variants have been previously reported to be disease causing. For these reasons, this variant has been classified as Likely Pathogenic.